The following is an entry in ClinVar:

ClinVar aggregate classification (germline): Uncertain significance (1 of 4 stars; one submission).

Submission:

Labcorp Genetics (formerly Invitae), Labcorp
Classification: Uncertain significance. Last evaluated: 2021-05-05. Review status: criteria provided, single submitter. Criteria: Invitae Variant Classification Sherloc (09022015). Collection method: clinical testing. Allele origin: germline.
Comment: In summary, the available evidence is currently insufficient to determine the role of this variant in disease. Therefore, it has been classified as a Variant of Uncertain Significance. Algorithms developed to predict the effect of missense changes on protein structure and function are either unavailable or do not agree on the potential impact of this missense change (SIFT: "Deleterious"; PolyPhen-2: "Benign"; Align-GVGD: "Class C0"). This variant has not been reported in the literature in individuals with CCBE1-related conditions. This variant is not present in population databases (ExAC no frequency). This sequence change replaces phenylalanine with isoleucine at codon 374 of the CCBE1 protein (p.Phe374Ile). The phenylalanine residue is highly conserved and there is a small physicochemical difference between phenylalanine and isoleucine.

NM_133459.4(CCBE1):c.1120T>A (p.Phe374Ile)

Gene: CCBE1 (collagen and calcium binding EGF domains 1; minus strand). Cytogenetic location: 18q21.32.
Variant type: single nucleotide variant.
Coding change: c.1120T>A on transcript NM_133459.4 (MANE Select); coding-DNA position 1120, T replaced by A.
Protein change: p.Phe374Ile; replaces phenylalanine 374 with isoleucine.
Molecular consequence: missense variant.
Genome position (GRCh38, 1-based): chr18:59,436,009, A>T on the plus strand (T>A on the coding strand, the complement: CCBE1 is on the minus strand). VCF-style: chr18-59436009-A-T. GRCh37 (hg19) VCF-style: chr18-57103241-A-T.
Other names: short protein forms F374I.
Identifiers: ClinVar variation 1440543 (VCV001440543.8), dbSNP rs778249985, ClinGen allele CA402594026.